The following is an entry in ClinVar:

ClinVar aggregate classification (germline): Benign/Likely benign. Review status: criteria provided, multiple submitters, no conflicts (2 of 4 stars). 7 submissions from 7 submitters: Benign (6); Likely benign (1). Last evaluated 2026-01-27.

Conditions:
Thrombocytopenia 2 (THC2). Also called: ANKRD26-Related Thrombocytopenia. Identifiers: Orphanet 268322, MedGen C1861185, MONDO:0008555, OMIM 188000.

Allele frequency attached by ClinVar (database versions not stated): gnomAD exomes 0.00083 and 0.00222; ExAC 0.00289; gnomAD 0.00812 and 0.00872; TOPMed 0.00834; ESP Exome Variant Server 0.00922; 1000 Genomes Project 0.01038; 1000 Genomes Project 30x 0.01077.

Submissions (7):

Labcorp Genetics (formerly Invitae), Labcorp
Classification: Benign. Last evaluated: 2026-01-27. Review status: criteria provided, single submitter. Criteria: Invitae Variant Classification Sherloc (09022015). Collection method: clinical testing. Allele origin: germline.

Blueprint Genetics
Classification: Likely benign. Last evaluated: 2024-11-25. Review status: criteria provided, single submitter. Criteria: ACMG Guidelines, 2015. Collection method: clinical testing. Allele origin: germline.

ARUP Laboratories, Molecular Genetics and Genomics, ARUP Laboratories
Classification: Benign for Thrombocytopenia 2. Last evaluated: 2023-12-11. Review status: criteria provided, single submitter. Criteria: ARUP Molecular Germline Variant Investigation Process 2024. Collection method: clinical testing. Allele origin: germline.

Mayo Clinic Laboratories, Mayo Clinic
Classification: Benign. Last evaluated: 2023-10-19. Review status: criteria provided, single submitter. Criteria: ACMG Guidelines, 2015. Collection method: clinical testing. Allele origin: germline. Observed: 6 variant alleles.
Comment: BS1, BS2, BP4

Genome-Nilou Lab
Classification: Benign for Thrombocytopenia 2. Last evaluated: 2021-12-05. Review status: criteria provided, single submitter. Criteria: ACMG Guidelines, 2015. Collection method: clinical testing. Allele origin: germline. Affected: no.

Illumina Laboratory Services, Illumina
Classification: Benign for Thrombocytopenia 2. Last evaluated: 2018-01-13. Review status: criteria provided, single submitter. Criteria: ICSL Variant Classification Criteria 13 December 2019. Collection method: clinical testing. Allele origin: germline.
Comment: This variant was observed in the ICSL laboratory as part of a predisposition screen in an ostensibly healthy population. It had not been previously curated by ICSL or reported in the Human Gene Mutation Database (HGMD: prior to June 1st, 2018), and was therefore a candidate for classification through an automated scoring system. Utilizing variant allele frequency, disease prevalence and penetrance estimates, and inheritance mode, an automated score was calculated to assess if this variant is too frequent to cause the disease. Based on the score and internal cut-off values, a variant classified as benign is not then subjected to further curation. The score for this variant resulted in a classification of benign for this disease.

Breakthrough Genomics
Classification: Benign. Review status: criteria provided, single submitter. Criteria: ACMG Guidelines, 2015. Collection method: not provided. Allele origin: germline. Inheritance: Autosomal dominant inheritance. Affected: yes.

NM_014915.3(ANKRD26):c.332A>G (p.Asn111Ser)

Gene: ANKRD26 (ankyrin repeat domain 26; minus strand). Cytogenetic location: 10p12.1.
Variant type: single nucleotide variant.
Coding change: c.332A>G on transcript NM_014915.3 (MANE Select); coding-DNA position 332, A replaced by G.
Protein change: p.Asn111Ser; replaces asparagine 111 with serine.
Molecular consequence: missense variant.
Genome position (GRCh38, 1-based): chr10:27,093,710, T>C on the plus strand (A>G on the coding strand, the complement: ANKRD26 is on the minus strand). VCF-style: chr10-27093710-T-C. GRCh37 (hg19) VCF-style: chr10-27382639-T-C.
Other names: p.Asn111Ser; c.332A>G, p.Asn111Ser (NM_001256053.2); short protein forms N111S.
Identifiers: ClinVar variation 299761 (VCV000299761.18), dbSNP rs79092403, ClinGen allele CA5448981.